The following is an entry in ClinVar:

ClinVar aggregate classification (germline): Uncertain significance (1 of 4 stars; one submission).

gnomAD v4.1: 3 of 1,613,720 alleles (0.00019%); highest among the groups gnomAD compares: East Asian, 0.0022%; no homozygotes.

Submission:

Mayo Clinic Laboratories, Mayo Clinic
Classification: Uncertain significance. Last evaluated: 2025-06-23. Review status: criteria provided, single submitter. Criteria: ACMG Guidelines, 2015. Collection method: clinical testing. Allele origin: germline. Observed: 1 variant allele.
Comment: BP4_moderate, PM2_supporting

NM_138773.4(SLC25A46):c.1027A>G (p.Ile343Val)

Gene: SLC25A46 (solute carrier family 25 member 46; plus strand). Cytogenetic location: 5q22.1.
Variant type: single nucleotide variant.
Coding change: c.1027A>G on transcript NM_138773.4 (MANE Select); coding-DNA position 1027, A replaced by G.
Protein change: p.Ile343Val; replaces isoleucine 343 with valine.
Molecular consequence: missense variant. On other transcripts: non-coding transcript variant (1).
Genome position (GRCh38, 1-based): chr5:110,761,552, A>G. VCF-style: chr5-110761552-A-G. GRCh37 (hg19) VCF-style: chr5-110097252-A-G.
Other names: p.Ile343Val; c.784A>G, p.Ile262Val (NM_001303249.3); c.754A>G, p.Ile252Val (NM_001303250.3); short protein forms I343V, I252V, I262V.
Identifiers: ClinVar variation 4541057 (VCV004541057.1).
Genomic context (GRCh38, chr5:110,761,552, plus strand): 5'-GCCAGTCTTTGTTCTGACGTTATACTTTACCCATTGGAAACAGTTTTGCACCGCCTTCAC[A>G]TTCAAGGAACACGCACAATAATTGACAATACAGACCTTGGCTATGAAGTGCTTCCAATTA-3'
Protein context (NP_620128.1, residues 333-353): PLETVLHRLH[Ile343Val]QGTRTIIDNT